The following is an entry in ClinVar:

NM_007294.4(BRCA1):c.49G>T (p.Ala17Ser)

Gene: BRCA1 (BRCA1 DNA repair associated; minus strand). Cytogenetic location: 17q21.31.
Variant type: single nucleotide variant.
Coding change: c.49G>T on transcript NM_007294.4 (MANE Select); coding-DNA position 49, G replaced by T.
Protein change: p.Ala17Ser; replaces alanine 17 with serine.
Molecular consequence: missense variant. On other transcripts: 5 prime UTR variant (1), non-coding transcript variant (1).
Genome position (GRCh38, 1-based): chr17:43,124,048, C>A on the plus strand (G>T on the coding strand, the complement: BRCA1 is on the minus strand). VCF-style: chr17-43124048-C-A. GRCh37 (hg19) VCF-style: chr17-41276065-C-A.
Other names: c.-140G>T (NM_001407571.1, NM_001408483.1, NM_001408484.1 and 46 more transcripts); c.49G>T, p.Ala17Ser (NM_001407581.1, NM_001407582.1, NM_001407583.1 and 193 more transcripts); c.-256G>T (NM_001408492.1, NM_001407889.1); c.-39G>T (NM_001408496.1, NM_001408498.1, NM_007297.4 and 23 more transcripts); c.-216G>T (NM_001408497.1, NM_001407741.1, NM_001407934.1); c.-212G>T (NM_001408499.1, NM_001408500.1, NM_001408503.1 and 22 more transcripts); c.-209G>T (NM_001408501.1, NM_001407694.1, NM_001407724.1 and 11 more transcripts); c.-259G>T (NM_001408513.1, NM_001407917.1, NM_001407954.1); and 8 more; short protein forms A17S.
Identifiers: ClinVar variation 489728 (VCV000489728.9), dbSNP rs1402064476, ClinGen allele CA10602059.

ClinVar aggregate classification (germline): Uncertain significance. Review status: criteria provided, multiple submitters, no conflicts (2 of 4 stars). 2 submissions from 2 submitters: Uncertain significance (2). Last evaluated 2020-05-01.

Conditions:
Hereditary breast ovarian cancer syndrome. Also called: Breast and ovarian cancer; Hereditary breast and/or ovarian cancer syndrome; BRCA1- and BRCA2-Associated Hereditary Breast and Ovarian Cancer; Hereditary breast and ovarian cancer syndrome; Hereditary breast and ovarian cancer syndrome (HBOC); Hereditary breast and ovarian cancer. Identifiers: Orphanet 145, MedGen C0677776, MeSH D061325, MONDO:0003582. Disease mechanism: loss of function.
Hereditary cancer-predisposing syndrome. Also called: Tumor predisposition; Hereditary Cancer Syndrome; Hereditary neoplastic syndrome; Neoplastic Syndromes, Hereditary. Identifiers: Orphanet 140162, MedGen C0027672, MeSH D009386, MONDO:0015356.

Allele frequency attached by ClinVar (database versions not stated): TOPMed 0.00001.

Submissions (3):

Breast Center, Key Laboratory of Carcinogenesis and Translational Research
Classification: Uncertain significance for Hereditary breast and ovarian cancer syndrome. Last evaluated: 2020-05-01. Review status: criteria provided, single submitter. Criteria: ACMG Guidelines, 2015. Collection method: clinical testing. Allele origin: germline. Observed: 4 variant alleles.

Color Diagnostics, LLC DBA Color Health
Classification: Uncertain significance for Hereditary cancer-predisposing syndrome. Last evaluated: 2019-03-21. Review status: criteria provided, single submitter. Criteria: ACMG Guidelines, 2015. Collection method: clinical testing. Allele origin: germline.

Brotman Baty Institute, University of Washington
No classification provided (evidence only). Condition: Breast-ovarian cancer, familial 1. Review status: no classification provided. Collection method: in vitro. Allele origin: not applicable. Functional consequence: functionally_normal. Not counted in ClinVar's aggregate classification.
ClinVar note: "not provided" was previously submitted as the classification for the variant. However, the classification appeared to be based only on an observation of functional data so it was converted to no classification on 2025-07-30.

Literature cited by the submitters: PubMed 30209399 (cited by Breast Center, Key Laboratory of Carcinogenesis and Translational Research).